The following is an entry in ClinVar:

NM_021098.3(CACNA1H):c.703CTG[1] (p.Leu236del)

Gene: CACNA1H (calcium voltage-gated channel subunit alpha1 H; plus strand). Cytogenetic location: 16p13.3.
Variant type: Microsatellite.
Coding change: c.703CTG[1] on transcript NM_021098.3 (MANE Select); one copy of the 3-base unit CTG starting at c.703; the reference has two copies in a row; one copy, 3 bases deleted.
Protein change: p.Leu236del; deletes leucine 236.
Molecular consequence: inframe deletion.
Genome position (GRCh38, 1-based): chr16:1,198,677-1,198,679, CTG deleted; deleting any 3 consecutive bases within chr16:1,198,674-1,198,679 gives the same sequence; the position shown is the placement nearest the transcript's 3' end. VCF-style (leftmost placement, unchanged base first): chr16-1198673-TCTG-T. GRCh37 (hg19) VCF-style: chr16-1248673-TCTG-T.
Other names: c.703CTG[1], p.Leu236del (NM_001005407.2); short protein forms L236del.
Identifiers: ClinVar variation 2499336 (VCV002499336.2), dbSNP rs2548620193, ClinGen allele CA2580613354.

ClinVar aggregate classification (germline): Uncertain significance (1 of 4 stars; one submission).

Submission:

GeneDx
Classification: Uncertain significance. Last evaluated: 2024-09-15. Review status: criteria provided, single submitter. Criteria: GeneDx Variant Classification Process June 2021. Collection method: clinical testing. Allele origin: germline.
Comment: Not observed at significant frequency in large population cohorts (gnomAD); In-frame deletion of 1 amino acid in a non-repeat region; In silico analysis supports a deleterious effect on protein structure/function; Has not been previously published as pathogenic or benign to our knowledge